The following is an entry in ClinVar:

ClinVar aggregate classification (germline): Uncertain significance. Review status: criteria provided, multiple submitters, no conflicts (2 of 4 stars). 2 submissions from 2 submitters: Uncertain significance (2). Last evaluated 2026-01-20.

Conditions:
POLD1-related polyposis and colorectal cancer syndrome (CRCS10). Also called: Colorectal cancer, susceptibility to, 10; Colorectal cancer 10; COLORECTAL CANCER, SUSCEPTIBILITY TO, ON CHROMOSOME 19q. Identifiers: Orphanet 220460, MedGen C2675481, MONDO:0012953, OMIM 612591.
Hereditary cancer-predisposing syndrome. Also called: Neoplastic Syndromes, Hereditary; Hereditary neoplastic syndrome; Hereditary Cancer Syndrome; Tumor predisposition. Identifiers: Orphanet 140162, MedGen C0027672, MeSH D009386, MONDO:0015356.

Allele frequency attached by ClinVar (database versions not stated): gnomAD exomes 0.00001; ExAC 0.00002; gnomAD 0.00002; TOPMed 0.00002; 1000 Genomes Project 0.00020; 1000 Genomes Project 30x 0.00031.
gnomAD v4.1: 7 of 1,613,734 alleles (0.00043%); highest among the groups gnomAD compares: East Asian, 0.0045%; no homozygotes.

Submissions (2):

Labcorp Genetics (formerly Invitae), Labcorp
Classification: Uncertain significance for POLD1-related polyposis and colorectal cancer syndrome. Last evaluated: 2026-01-20. Review status: criteria provided, single submitter. Criteria: Invitae Variant Classification Sherloc (09022015). Collection method: clinical testing. Allele origin: germline.
Comment: This sequence change replaces aspartic acid, which is acidic and polar, with asparagine, which is neutral and polar, at codon 595 of the POLD1 protein (p.Asp595Asn). This variant is present in population databases (rs200864923, gnomAD 0.01%). This variant has not been reported in the literature in individuals affected with POLD1-related conditions. ClinVar contains an entry for this variant (Variation ID: 407985). Invitae Evidence Modeling of protein sequence and biophysical properties (such as structural, functional, and spatial information, amino acid conservation, physicochemical variation, residue mobility, and thermodynamic stability) indicates that this missense variant is not expected to disrupt POLD1 protein function with a negative predictive value of 80%. In summary, the available evidence is currently insufficient to determine the role of this variant in disease. Therefore, it has been classified as a Variant of Uncertain Significance.

Ambry Genetics
Classification: Uncertain significance for Hereditary cancer-predisposing syndrome. Last evaluated: 2023-11-08. Review status: criteria provided, single submitter. Criteria: Ambry Variant Classification Scheme 2023. Collection method: clinical testing. Allele origin: germline.
Comment: The p.D595N variant (also known as c.1783G>A), located in coding exon 14 of the POLD1 gene, results from a G to A substitution at nucleotide position 1783. The aspartic acid at codon 595 is replaced by asparagine, an amino acid with highly similar properties. This amino acid position is conserved. In addition, this alteration is predicted to be tolerated by in silico analysis. Since supporting evidence is limited at this time, the clinical significance of this alteration remains unclear.

NM_002691.4(POLD1):c.1783G>A (p.Asp595Asn)

Gene: POLD1 (DNA polymerase delta 1, catalytic subunit; plus strand). Cytogenetic location: 19q13.33.
Variant type: single nucleotide variant.
Coding change: c.1783G>A on transcript NM_002691.4 (MANE Select); coding-DNA position 1783, G replaced by A.
Protein change: p.Asp595Asn; replaces aspartic acid 595 with asparagine.
Molecular consequence: missense variant. On other transcripts: non-coding transcript variant (1).
Genome position (GRCh38, 1-based): chr19:50,408,792, G>A. VCF-style: chr19-50408792-G-A. GRCh37 (hg19) VCF-style: chr19-50912049-G-A.
Other names: c.1783G>A, p.Asp595Asn (NM_001256849.1); c.1861G>A, p.Asp621Asn (NM_001308632.1); short protein forms D595N, D621N.
Identifiers: ClinVar variation 407985 (VCV000407985.12), dbSNP rs200864923, ClinGen allele CA9596282.